The following is an entry in ClinVar:

ClinVar aggregate classification (germline): Conflicting classifications of pathogenicity. Review status: criteria provided, conflicting classifications (1 of 4 stars). 2 submissions from 2 submitters: Uncertain significance (1); Benign (1). Last evaluated 2026-01-22.

Conditions:
Anauxetic dysplasia. Identifiers: Orphanet 93347, MedGen C1846796, MONDO:0011773.

Allele frequency attached by ClinVar (database versions not stated): gnomAD 0.00089; 1000 Genomes Project 30x 0.00125; gnomAD exomes 0.00017; 1000 Genomes Project 0.00140; TOPMed 0.00144.

Submissions (2):

Labcorp Genetics (formerly Invitae), Labcorp
Classification: Benign for Anauxetic dysplasia. Last evaluated: 2026-01-22. Review status: criteria provided, single submitter. Criteria: Invitae Variant Classification Sherloc (09022015). Collection method: clinical testing. Allele origin: germline.

GeneDx
Classification: Uncertain significance. Last evaluated: 2025-05-02. Review status: criteria provided, single submitter. Criteria: GeneDx Variant Classification Process June 2021. Collection method: clinical testing. Allele origin: germline. Affected: yes.
Comment: Located in a region that tolerates variation and lacks pathogenic variants; Has not been previously published as pathogenic or benign to our knowledge; Also known as n.-62C>A; Located in the promoter region of the RMRP gene

NC_000009.12:g.35658080G>T

Gene: RMRP (RNA component of mitochondrial RNA processing endoribonuclease; minus strand). Cytogenetic location: 9p13.3.
Variant type: single nucleotide variant.
Genome position: GRCh38 VCF-style: chr9-35658080-G-T. GRCh37 (hg19) VCF-style: chr9-35658077-G-T.
Identifiers: ClinVar variation 698209 (VCV000698209.10), dbSNP rs367843919, ClinGen allele CA192745802.